The following is an entry in ClinVar:

NM_000371.4(TTR):c.116_117insAGTCCTCGGTCAA (p.Arg41fs)

Gene: TTR (transthyretin; plus strand). Cytogenetic location: 18q12.1.
Variant type: Insertion.
Coding change: c.116_117insAGTCCTCGGTCAA on transcript NM_000371.4 (MANE Select); coding-DNA positions 116 to 117, AGTCCTCGGTCAA inserted.
Protein change: p.Arg41fs; shifts the reading frame from arginine 41.
Molecular consequence: frameshift variant.
Genome position: GRCh38 VCF-style: chr18-31592942-C-CAGTCCTCGGTCAA. GRCh37 (hg19) VCF-style: chr18-29172905-C-CAGTCCTCGGTCAA.
Other names: short protein forms R41fs.
Identifiers: ClinVar variation 2829100 (VCV002829100.3), dbSNP rs778483568, ClinGen allele CA2739265770.

ClinVar aggregate classification (germline): Uncertain significance (1 of 4 stars; one submission).

Conditions:
Amyloidosis, hereditary systemic 1 (AMYLD1). Also called: Familial amyloid polyneuropathy; Transthyretin Amyloidosis; Hereditary oculoleptomeningeal amyloid angiopathy; Familial Transthyretin Amyloidosis; Hereditary Transthyretin Amyloidosis; Isolated Cardiac Amyloidosis. Identifiers: Orphanet 85447, Orphanet 85451, MedGen C2751492, MONDO:0971004, OMIM 105210.

Submission:

Labcorp Genetics (formerly Invitae), Labcorp
Classification: Uncertain significance for Amyloidosis, hereditary systemic 1. Last evaluated: 2023-01-17. Review status: criteria provided, single submitter. Criteria: Invitae Variant Classification Sherloc (09022015). Collection method: clinical testing. Allele origin: germline.
Comment: This variant is not present in population databases (gnomAD no frequency). This sequence change creates a premature translational stop signal (p.Arg41Leufs*22) in the TTR gene. It is expected to result in an absent or disrupted protein product. However, the current clinical and genetic evidence is not sufficient to establish whether loss-of-function variants in TTR cause disease. This variant has not been reported in the literature in individuals affected with TTR-related conditions. In summary, the available evidence is currently insufficient to determine the role of this variant in disease. Therefore, it has been classified as a Variant of Uncertain Significance.